The following is an entry in ClinVar:

ClinVar aggregate classification (germline): Uncertain significance (1 of 4 stars; one submission).

Allele frequency attached by ClinVar (database versions not stated): gnomAD exomes below 0.00001; ExAC 0.00001.
gnomAD v4.1: 3 of 1,614,054 alleles (0.00019%); highest among the groups gnomAD compares: East Asian, 0.0022%; no homozygotes.

Submission:

Labcorp Genetics (formerly Invitae), Labcorp
Classification: Uncertain significance. Last evaluated: 2021-12-25. Review status: criteria provided, single submitter. Criteria: Invitae Variant Classification Sherloc (09022015). Collection method: clinical testing. Allele origin: germline.
Comment: This sequence change replaces leucine, which is neutral and non-polar, with serine, which is neutral and polar, at codon 141 of the SLC2A9 protein (p.Leu141Ser). This variant is present in population databases (rs757119278, gnomAD 0.0009%). This variant has not been reported in the literature in individuals affected with SLC2A9-related conditions. Algorithms developed to predict the effect of missense changes on protein structure and function are either unavailable or do not agree on the potential impact of this missense change (SIFT: "Tolerated"; PolyPhen-2: "Probably Damaging"; Align-GVGD: "Class C0"). In summary, the available evidence is currently insufficient to determine the role of this variant in disease. Therefore, it has been classified as a Variant of Uncertain Significance.

NM_020041.3(SLC2A9):c.422T>C (p.Leu141Ser)

Gene: SLC2A9 (solute carrier family 2 member 9; minus strand). Cytogenetic location: 4p16.1.
Variant type: single nucleotide variant.
Coding change: c.422T>C on transcript NM_020041.3 (MANE Select); coding-DNA position 422, T replaced by C.
Protein change: p.Leu141Ser; replaces leucine 141 with serine.
Molecular consequence: missense variant.
Genome position (GRCh38, 1-based): chr4:9,985,782, A>G on the plus strand (T>C on the coding strand, the complement: SLC2A9 is on the minus strand). VCF-style: chr4-9985782-A-G. GRCh37 (hg19) VCF-style: chr4-9987406-A-G.
Other names: c.335T>C, p.Leu112Ser (NM_001001290.2); short protein forms L112S, L141S.
Identifiers: ClinVar variation 2127191 (VCV002127191.4), dbSNP rs757119278, ClinGen allele CA2857230.